The following is an entry in ClinVar:

ClinVar aggregate classification (germline): Uncertain significance (1 of 4 stars; one submission).

Conditions:
Facioscapulohumeral muscular dystrophy 2 (FSHD2). Also called: MUSCULAR DYSTROPHY, FACIOSCAPULOHUMERAL, TYPE 1B; FACIOSCAPULOHUMERAL MUSCULAR DYSTROPHY 2, DIGENIC; FSHD2, DIGENIC. Identifiers: Orphanet 269, MedGen C1834671, MONDO:0008031, OMIM 158901.

Submission:

Labcorp Genetics (formerly Invitae), Labcorp
Classification: Uncertain significance for Facioscapulohumeral muscular dystrophy 2. Last evaluated: 2025-03-18. Review status: criteria provided, single submitter. Criteria: Invitae Variant Classification Sherloc (09022015). Collection method: clinical testing. Allele origin: germline.
Comment: This sequence change replaces alanine, which is neutral and non-polar, with valine, which is neutral and non-polar, at codon 674 of the SMCHD1 protein (p.Ala674Val). This variant is not present in population databases (gnomAD no frequency). This variant has not been reported in the literature in individuals affected with SMCHD1-related conditions. Invitae Evidence Modeling of protein sequence and biophysical properties (such as structural, functional, and spatial information, amino acid conservation, physicochemical variation, residue mobility, and thermodynamic stability) indicates that this missense variant is not expected to disrupt SMCHD1 protein function with a negative predictive value of 80%. In summary, the available evidence is currently insufficient to determine the role of this variant in disease. Therefore, it has been classified as a Variant of Uncertain Significance.

NM_015295.3(SMCHD1):c.2021C>T (p.Ala674Val)

Gene: SMCHD1 (structural maintenance of chromosomes flexible hinge domain containing 1; plus strand). Cytogenetic location: 18p11.32.
Variant type: single nucleotide variant.
Coding change: c.2021C>T on transcript NM_015295.3 (MANE Select); coding-DNA position 2021, C replaced by T.
Protein change: p.Ala674Val; replaces alanine 674 with valine.
Molecular consequence: missense variant.
Genome position (GRCh38, 1-based): chr18:2,706,428, C>T. VCF-style: chr18-2706428-C-T. GRCh37 (hg19) VCF-style: chr18-2706426-C-T.
Other names: short protein forms A674V.
Identifiers: ClinVar variation 4777253 (VCV004777253.1).